The following is an entry in ClinVar:

ClinVar aggregate classification (germline): Conflicting classifications of pathogenicity. Review status: criteria provided, conflicting classifications (1 of 4 stars). 6 submissions from 6 submitters: Uncertain significance (4); Likely benign (1). 1 of the submissions does not count toward it. Last evaluated 2026-03-09.

Conditions:
LOXHD1-related disorder. Also called: LOXHD1-related condition.
Inborn genetic diseases. Identifiers: MedGen C0950123, MeSH D030342.
Autosomal recessive nonsyndromic hearing loss 77. Identifiers: Orphanet 90636, MedGen C2746083, MONDO:0013119, OMIM 613079.

Allele frequency attached by ClinVar (database versions not stated): gnomAD exomes 0.00003 and 0.00010; ExAC 0.00018; gnomAD 0.00039 and 0.00042; TOPMed 0.00049; 1000 Genomes Project 0.00060; 1000 Genomes Project 30x 0.00078.
gnomAD v4.1: 104 of 1,551,862 alleles (0.0067%); highest among the groups gnomAD compares: African/African-American, 0.11%; 2 homozygotes.

Submissions (6):

PreventionGenetics, part of Exact Sciences
Classification: Uncertain significance for LOXHD1-related condition. Last evaluated: 2026-03-09. Review status: criteria provided, single submitter. Criteria: ACMG Guidelines, 2015. Collection method: clinical testing. Allele origin: germline.
Comment: The LOXHD1 c.6338T>C variant is predicted to result in the amino acid substitution p.Phe2113Ser. To our knowledge, this variant has not been reported in the literature. This variant is reported in 0.14% of alleles in individuals of African descent in gnomAD. Although we suspect that this variant may be benign, at this time, the clinical significance of this variant is uncertain due to the absence of conclusive functional and genetic evidence.

Ambry Genetics
Classification: Uncertain significance for Inborn genetic diseases. Last evaluated: 2024-11-29. Review status: criteria provided, single submitter. Criteria: Ambry Variant Classification Scheme 2023. Collection method: clinical testing. Allele origin: germline.

Blueprint Genetics
Classification: Likely benign. Last evaluated: 2024-03-11. Review status: criteria provided, single submitter. Criteria: ACMG Guidelines, 2015. Collection method: clinical testing. Allele origin: germline.

Labcorp Genetics (formerly Invitae), Labcorp
Classification: Uncertain significance. Last evaluated: 2021-09-20. Review status: criteria provided, single submitter. Criteria: Invitae Variant Classification Sherloc (09022015). Collection method: clinical testing. Allele origin: germline.
Comment: This sequence change replaces phenylalanine with serine at codon 2113 of the LOXHD1 protein (p.Phe2113Ser). The phenylalanine residue is moderately conserved and there is a large physicochemical difference between phenylalanine and serine. This variant is present in population databases (rs546735322, ExAC 0.2%). This variant has not been reported in the literature in individuals affected with LOXHD1-related conditions. ClinVar contains an entry for this variant (Variation ID: 228836). Algorithms developed to predict the effect of missense changes on protein structure and function are either unavailable or do not agree on the potential impact of this missense change (SIFT: "Deleterious"; PolyPhen-2: "Benign"; Align-GVGD: "Class C0"). In summary, the available evidence is currently insufficient to determine the role of this variant in disease. Therefore, it has been classified as a Variant of Uncertain Significance.

Laboratory for Molecular Medicine, Mass General Brigham Personalized Medicine
Classification: Uncertain significance. Last evaluated: 2015-06-08. Review status: criteria provided, single submitter. Criteria: LMM Criteria. Collection method: clinical testing. Allele origin: germline. Observed: 1 variant allele.
Comment: The p.Phe2113Ser variant in LOXHD1 has not been previously reported in individua ls with hearing loss, but has been identified in 0.18% (4/2180) of African chrom osomes by the Exome Aggregation Consortium (ExAC ). Computational prediction tools and conservation analyses suggest that the p.P he2113Ser variant may not impact the protein, though this information is not pre dictive enough to rule out pathogenicity. In summary, the clinical significance of the p.Phe2113Ser variant is uncertain.

Natera, Inc.
Classification: Uncertain significance for Autosomal recessive deafness type 77. Last evaluated: 2019-10-28. Review status: no assertion criteria provided. Collection method: clinical testing. Allele origin: germline. Not counted in ClinVar's aggregate classification.

NM_001384474.1(LOXHD1):c.6524T>C (p.Phe2175Ser)

Gene: LOXHD1 (lipoxygenase homology PLAT domains 1; minus strand). Cytogenetic location: 18q21.1.
Variant type: single nucleotide variant.
Coding change: c.6524T>C on transcript NM_001384474.1 (MANE Select); coding-DNA position 6524, T replaced by C.
Protein change: p.Phe2175Ser; replaces phenylalanine 2175 with serine.
Molecular consequence: missense variant.
Genome position (GRCh38, 1-based): chr18:46,477,770, A>G on the plus strand (T>C on the coding strand, the complement: LOXHD1 is on the minus strand). VCF-style: chr18-46477770-A-G. GRCh37 (hg19) VCF-style: chr18-44057733-A-G.
Other names: c.3191T>C, p.Phe1064Ser (NM_001145472.3); c.1241T>C, p.Phe414Ser (NM_001145473.3, NM_001173129.2); c.2903T>C, p.Phe968Ser (NM_001308013.2); c.6338T>C, p.Phe2113Ser (NM_144612.7); short protein forms F2113S, F1064S, F414S, F968S, F2175S.
Identifiers: ClinVar variation 228836 (VCV000228836.10), dbSNP rs546735322, ClinGen allele CA8952038.